The following is an entry in ClinVar:

NM_144585.4(SLC22A12):c.700A>G (p.Met234Val)

Gene: SLC22A12 (solute carrier family 22 member 12; plus strand). Cytogenetic location: 11q13.1.
Variant type: single nucleotide variant.
Coding change: c.700A>G on transcript NM_144585.4 (MANE Select); coding-DNA position 700, A replaced by G.
Protein change: p.Met234Val; replaces methionine 234 with valine.
Molecular consequence: missense variant. On other transcripts: intron variant (1).
Genome position (GRCh38, 1-based): chr11:64,593,673, A>G. VCF-style: chr11-64593673-A-G. GRCh37 (hg19) VCF-style: chr11-64361145-A-G.
Other names: c.598A>G, p.Met200Val (NM_001276326.2); c.37A>G, p.Met13Val (NM_153378.3); c.506+791A>G (NM_001276327.2); short protein forms M200V, M234V, M13V.
Identifiers: ClinVar variation 1397626 (VCV001397626.6), dbSNP rs751553272, ClinGen allele CA6077168.

ClinVar aggregate classification (germline): Uncertain significance (1 of 4 stars; one submission).

Allele frequency attached by ClinVar (database versions not stated): gnomAD exomes below 0.00001; ExAC 0.00001; gnomAD 0.00001.

Submission:

Labcorp Genetics (formerly Invitae), Labcorp
Classification: Uncertain significance. Last evaluated: 2022-03-26. Review status: criteria provided, single submitter. Criteria: Invitae Variant Classification Sherloc (09022015). Collection method: clinical testing. Allele origin: germline.
Comment: This variant is present in population databases (rs751553272, gnomAD 0.01%). In summary, the available evidence is currently insufficient to determine the role of this variant in disease. Therefore, it has been classified as a Variant of Uncertain Significance. Algorithms developed to predict the effect of sequence changes on RNA splicing suggest that this variant may create or strengthen a splice site. Algorithms developed to predict the effect of missense changes on protein structure and function output the following: SIFT: "Tolerated"; PolyPhen-2: "Benign"; Align-GVGD: "Class C0". The valine amino acid residue is found in multiple mammalian species, which suggests that this missense change does not adversely affect protein function. This variant has not been reported in the literature in individuals affected with SLC22A12-related conditions. This sequence change replaces methionine, which is neutral and non-polar, with valine, which is neutral and non-polar, at codon 234 of the SLC22A12 protein (p.Met234Val).